The following is an entry in ClinVar:

NM_001354604.2(MITF):c.726G>C (p.Leu242Phe)

Gene: MITF (melanocyte inducing transcription factor; plus strand). Cytogenetic location: 3p13.
Variant type: single nucleotide variant.
Coding change: c.726G>C on transcript NM_001354604.2 (MANE Select); coding-DNA position 726, G replaced by C.
Protein change: p.Leu242Phe; replaces leucine 242 with phenylalanine.
Molecular consequence: missense variant.
Genome position (GRCh38, 1-based): chr3:69,941,295, G>C. VCF-style: chr3-69941295-G-C. GRCh37 (hg19) VCF-style: chr3-69990446-G-C.
Other names: c.405G>C, p.Leu135Phe (NM_000248.4, NM_198158.3); c.570G>C, p.Leu190Phe (NM_001184967.2, NM_001354608.2); c.723G>C, p.Leu241Phe (NM_001354605.2, NM_001354606.2, NM_006722.3); c.675G>C, p.Leu225Phe (NM_001354607.2); c.726G>C, p.Leu242Phe (NM_198159.3); c.678G>C, p.Leu226Phe (NM_198177.3); c.237G>C, p.Leu79Phe (NM_198178.3); short protein forms L135F, L190F, L225F, L226F, L241F, L242F, L79F.
Identifiers: ClinVar variation 1189737 (VCV001189737.13), dbSNP rs200287806, ClinGen allele CA2490447.
Genomic context (GRCh38, chr3:69,941,295, plus strand): 5'-GATGGATGATGTAATCGATGACATCATTAGCCTAGAATCAAGTTATAATGAGGAAATCTT[G>C]GGCTTGATGGATCCTGCTTTGCAAATGGCAAATACGGTATTGATAACCTTTTTTTAAGTA-3'
Protein context (NP_001341533.1, residues 232-252): SLESSYNEEI[Leu242Phe]GLMDPALQMA

ClinVar aggregate classification (germline): Uncertain significance. Review status: criteria provided, multiple submitters, no conflicts (2 of 4 stars). 3 submissions from 3 submitters: Uncertain significance (3). Last evaluated 2025-12-28.

Conditions:
Tietz syndrome (TADS). Also called: ALBINISM-DEAFNESS OF TIETZ; HYPOPIGMENTATION/DEAFNESS OF TIETZ; TIETZ ALBINISM-DEAFNESS SYNDROME. Identifiers: Orphanet 42665, MedGen C0391816, MONDO:0007077, OMIM 103500.
Waardenburg syndrome type 2A (WS2A). Also called: WAARDENBURG SYNDROME WITHOUT DYSTOPIA CANTHORUM. Identifiers: Orphanet 3440, MedGen C1860339, MONDO:0008671, OMIM 193510.
Melanoma, cutaneous malignant, susceptibility to, 8. Also called: Cutaneous malignant melanoma 8; MELANOMA AND RENAL CELL CARCINOMA, SUSCEPTIBILITY TO. Identifiers: Orphanet 293822, MedGen C3152204, MONDO:0013759, OMIM 614456.
Coloboma, osteopetrosis, microphthalmia, macrocephaly, albinism, and deafness (COMMAD). Also called: COMMAD syndrome. Identifiers: Orphanet 603494, MedGen C4310625, MONDO:0015014, OMIM 617306.

Allele frequency attached by ClinVar (database versions not stated): gnomAD 0.00002 and 0.00003; TOPMed 0.00003; gnomAD exomes 0.00005; ExAC 0.00006; ESP Exome Variant Server 0.00008.

Submissions (3):

Labcorp Genetics (formerly Invitae), Labcorp
Classification: Uncertain significance for Melanoma, cutaneous malignant, susceptibility to, 8; Waardenburg syndrome type 2A; Tietz syndrome. Last evaluated: 2025-12-28. Review status: criteria provided, single submitter. Criteria: Invitae Variant Classification Sherloc (09022015). Collection method: clinical testing. Allele origin: germline.
Comment: This sequence change replaces leucine, which is neutral and non-polar, with phenylalanine, which is neutral and non-polar, at codon 135 of the MITF protein (p.Leu135Phe). This variant is present in population databases (rs200287806, gnomAD 0.03%). This variant has not been reported in the literature in individuals affected with MITF-related conditions. ClinVar contains an entry for this variant (Variation ID: 1189737). Invitae Evidence Modeling of protein sequence and biophysical properties (such as structural, functional, and spatial information, amino acid conservation, physicochemical variation, residue mobility, and thermodynamic stability) indicates that this missense variant is not expected to disrupt MITF protein function with a negative predictive value of 80%. In summary, the available evidence is currently insufficient to determine the role of this variant in disease. Therefore, it has been classified as a Variant of Uncertain Significance.

GeneDx
Classification: Uncertain significance. Last evaluated: 2024-09-24. Review status: criteria provided, single submitter. Criteria: GeneDx Variant Classification Process June 2021. Collection method: clinical testing. Allele origin: germline. Affected: yes.
Comment: In silico analysis supports that this missense variant has a deleterious effect on protein structure/function; Has not been previously published as pathogenic or benign to our knowledge

Fulgent Genetics
Classification: Uncertain significance for Tietz syndrome; Waardenburg syndrome type 2A; Melanoma, cutaneous malignant, susceptibility to, 8; Coloboma, osteopetrosis, microphthalmia, macrocephaly, albinism, and deafness. Last evaluated: 2022-01-20. Review status: criteria provided, single submitter. Criteria: ACMG Guidelines, 2015. Collection method: clinical testing. Allele origin: unknown.